The following is an entry in ClinVar:

NM_002907.4(RECQL):c.886A>G (p.Asn296Asp)

Gene: RECQL (RecQ like helicase; minus strand). Cytogenetic location: 12p12.1.
Variant type: single nucleotide variant.
Coding change: c.886A>G on transcript NM_002907.4 (MANE Select); coding-DNA position 886, A replaced by G.
Protein change: p.Asn296Asp; replaces asparagine 296 with aspartic acid.
Molecular consequence: missense variant.
Genome position (GRCh38, 1-based): chr12:21,476,974, T>C on the plus strand (A>G on the coding strand, the complement: RECQL is on the minus strand). VCF-style: chr12-21476974-T-C. GRCh37 (hg19) VCF-style: chr12-21629908-T-C.
Other names: c.886A>G, p.Asn296Asp (NM_032941.3); short protein forms N296D.
Identifiers: ClinVar variation 1764936 (VCV001764936.2), dbSNP rs2540352272, ClinGen allele CA384123107.

ClinVar aggregate classification (germline): Uncertain significance (1 of 4 stars; one submission).

Submission:

Ambry Genetics
Classification: Uncertain significance. Last evaluated: 2022-08-09. Review status: criteria provided, single submitter. Criteria: Ambry Variant Classification Scheme 2023. Collection method: clinical testing. Allele origin: germline.
Comment: The p.N296D variant (also known as c.886A>G), located in coding exon 7 of the RECQL gene, results from an A to G substitution at nucleotide position 886. The asparagine at codon 296 is replaced by aspartic acid, an amino acid with highly similar properties. This amino acid position is conserved. In addition, this alteration is predicted to be tolerated by in silico analysis. Since supporting evidence is limited at this time, the clinical significance of this alteration remains unclear.